The following is an entry in ClinVar:

ClinVar aggregate classification (germline): Pathogenic (1 of 4 stars; one submission).

Conditions:
Congenital sideroblastic anemia-B-cell immunodeficiency-periodic fever-developmental delay syndrome. Also called: Sideroblastic anemia with B-cell immunodeficiency, periodic fevers, and developmental delay. Identifiers: Orphanet 369861, MedGen C4015172, MONDO:0014487, OMIM 616084.

Submission:

Labcorp Genetics (formerly Invitae), Labcorp
Classification: Pathogenic for Congenital sideroblastic anemia-B-cell immunodeficiency-periodic fever-developmental delay syndrome. Last evaluated: 2021-07-14. Review status: criteria provided, single submitter. Criteria: Invitae Variant Classification Sherloc (09022015). Collection method: clinical testing. Allele origin: germline.
Comment: This sequence change creates a premature translational stop signal (p.Pro270Leufs*6) in the TRNT1 gene. It is expected to result in an absent or disrupted protein product. Loss-of-function variants in TRNT1 are known to be pathogenic (PMID: 25193871). This variant is not present in population databases (ExAC no frequency). This variant has not been reported in the literature in individuals affected with TRNT1-related conditions. For these reasons, this variant has been classified as Pathogenic.

Literature cited by the submitters: PubMed 25193871.

NM_182916.3(TRNT1):c.809del (p.Pro270fs)

Gene: TRNT1 (tRNA nucleotidyl transferase 1; plus strand). Cytogenetic location: 3p26.2.
Variant type: Deletion.
Coding change: c.809del on transcript NM_182916.3 (MANE Select); coding-DNA position 809, one base deleted (C; older notation c.809delC).
Protein change: p.Pro270fs; shifts the reading frame from proline 270.
Molecular consequence: frameshift variant. On other transcripts: non-coding transcript variant (8).
Genome position (GRCh38, 1-based): chr3:3,147,456, C deleted; the last of 2 consecutive C bases (chr3:3,147,455-3,147,456); deleting either gives the same sequence. VCF-style (leftmost placement, unchanged base first): chr3-3147454-AC-A. GRCh37 (hg19) VCF-style: chr3-3189138-AC-A.
Other names: c.749del, p.Pro250fs (NM_001302946.2); c.809del, p.Pro270fs (NM_001367321.1, NM_001367322.1, NM_001367323.1); short protein forms P250fs, P270fs.
Identifiers: ClinVar variation 1408061 (VCV001408061.6), dbSNP rs2126036604, ClinGen allele CA2573136008.